The following is an entry in ClinVar:

NM_020989.4(CRYGC):c.427C>T (p.Gln143Ter)

Genes: CRYGC (crystallin gamma C; minus strand), LOC100507443 (uncharacterized LOC100507443; plus strand). Cytogenetic location: 2q33.3.
Variant type: single nucleotide variant.
Coding change: c.427C>T on transcript NM_020989.4 (MANE Select); coding-DNA position 427, C replaced by T.
Protein change: p.Gln143Ter; replaces glutamine 143 with a stop codon.
Molecular consequence: nonsense.
Genome position (GRCh38, 1-based): chr2:208,128,301, G>A on the plus strand (C>T on the coding strand, the complement: CRYGC is on the minus strand). VCF-style: chr2-208128301-G-A. GRCh37 (hg19) VCF-style: chr2-208993025-G-A.
Other names: short protein forms Q143*.
Identifiers: ClinVar variation 429726 (VCV000429726.2), dbSNP rs1131691550, ClinGen allele CA350093886.

ClinVar aggregate classification (germline): Pathogenic (1 of 4 stars; one submission).

Submission:

GeneDx
Classification: Pathogenic. Last evaluated: 2016-03-29. Review status: criteria provided, single submitter. Criteria: GeneDx Variant Classification (06012015). Collection method: clinical testing. Allele origin: germline. Affected: yes.
Comment: The Q143X pathogenic variant in the CRYGC gene has not been reported previously as a pathogenic variant nor as a benign variant, to our knowledge. This variant is predicted to cause loss of normal protein function through protein truncation as the last 32 amino acid residues are lost. The Q143X variant was not observed in approximately 6500 individuals of European and African American ancestry in the NHLBI Exome Sequencing Project, indicating it is not a common benign variant in these populations. We interpret Q143X as a pathogenic variant.